The following is an entry in ClinVar:

NM_001378454.1(ALMS1):c.2309C>T (p.Pro770Leu)

Gene: ALMS1 (ALMS1 centrosome and basal body associated protein; plus strand). Cytogenetic location: 2p13.1.
Variant type: single nucleotide variant.
Coding change: c.2309C>T on transcript NM_001378454.1 (MANE Select); coding-DNA position 2309, C replaced by T.
Protein change: p.Pro770Leu; replaces proline 770 with leucine.
Molecular consequence: missense variant.
Genome position (GRCh38, 1-based): chr2:73,448,836, C>T. VCF-style: chr2-73448836-C-T. GRCh37 (hg19) VCF-style: chr2-73675963-C-T.
Other names: c.2312C>T, p.Pro771Leu (NM_015120.4); short protein forms P771L, P770L.
Identifiers: ClinVar variation 553937 (VCV000553937.22), dbSNP rs187132771, ClinGen allele CA1713322.

ClinVar aggregate classification (germline): Conflicting classifications of pathogenicity. Review status: criteria provided, conflicting classifications (1 of 4 stars). 6 submissions from 6 submitters: Uncertain significance (3); Likely benign (1). 2 of the submissions do not count toward it. Last evaluated 2026-03-03.

Conditions:
Cardiovascular phenotype. Identifiers: MedGen CN230736.
Alstrom syndrome (ALMS). Identifiers: Orphanet 64, MedGen C0268425, MONDO:0008763, OMIM 203800.

Allele frequency attached by ClinVar (database versions not stated): ESP Exome Variant Server 0.00008; gnomAD 0.00011; TOPMed 0.00011; 1000 Genomes Project 30x 0.00031; 1000 Genomes Project 0.00040.
gnomAD v4.1: 48 of 1,613,832 alleles (0.003%); highest among the groups gnomAD compares: African/African-American, 0.057%; no homozygotes.

Submissions (6):

Women's Health and Genetics/Laboratory Corporation of America, LabCorp
Classification: Uncertain significance. Last evaluated: 2026-03-03. Review status: criteria provided, single submitter. Criteria: LabCorp Variant Classification Summary - May 2015. Collection method: clinical testing. Allele origin: germline.

Labcorp Genetics (formerly Invitae), Labcorp
Classification: Uncertain significance for Alstrom syndrome. Last evaluated: 2025-12-20. Review status: criteria provided, single submitter. Criteria: Invitae Variant Classification Sherloc (09022015). Collection method: clinical testing. Allele origin: germline.
Comment: This sequence change replaces proline, which is neutral and non-polar, with leucine, which is neutral and non-polar, at codon 771 of the ALMS1 protein (p.Pro771Leu). This variant is present in population databases (rs187132771, gnomAD 0.05%). This variant has not been reported in the literature in individuals affected with ALMS1-related conditions. ClinVar contains an entry for this variant (Variation ID: 553937). An algorithm developed to predict the effect of missense changes on protein structure and function outputs the following: PolyPhen-2: "Not Available". The leucine amino acid residue is found in multiple mammalian species, which suggests that this missense change does not adversely affect protein function. In summary, the available evidence is currently insufficient to determine the role of this variant in disease. Therefore, it has been classified as a Variant of Uncertain Significance.

GeneDx
Classification: Uncertain significance. Last evaluated: 2025-05-23. Review status: criteria provided, single submitter. Criteria: GeneDx Variant Classification Process June 2021. Collection method: clinical testing. Allele origin: germline. Affected: yes.
Comment: Has not been previously published as pathogenic or benign to our knowledge; In silico analysis supports that this missense variant has a deleterious effect on protein structure/function

Ambry Genetics
Classification: Likely benign for Cardiovascular phenotype. Last evaluated: 2024-05-16. Review status: criteria provided, single submitter. Criteria: Ambry Variant Classification Scheme 2023. Collection method: clinical testing. Allele origin: germline.

Natera, Inc.
Classification: Uncertain significance for Alstrom syndrome. Last evaluated: 2021-05-04. Review status: no assertion criteria provided. Collection method: clinical testing. Allele origin: germline. Not counted in ClinVar's aggregate classification.

Counsyl
Classification: Uncertain significance for Alstrom syndrome. Last evaluated: 2017-09-20. Review status: no assertion criteria provided. Collection method: clinical testing. Allele origin: unknown. Not counted in ClinVar's aggregate classification.